The following is an entry in ClinVar:

ClinVar aggregate classification (germline): Likely benign. Review status: criteria provided, multiple submitters, no conflicts (2 of 4 stars). 2 submissions from 2 submitters: Likely benign (2). Last evaluated 2024-11-01.

Conditions:
Cardiovascular phenotype. Identifiers: MedGen CN230736.

Allele frequency attached by ClinVar (database versions not stated): gnomAD exomes below 0.00001.
gnomAD v4.1: 4 of 1,582,488 alleles (0.00025%); highest among the groups gnomAD compares: Non-Finnish European, 0.00026%; no homozygotes.

Submissions (2):

CeGaT Center for Human Genetics Tuebingen
Classification: Likely benign. Last evaluated: 2024-11-01. Review status: criteria provided, single submitter. Criteria: CeGaT Center For Human Genetics Tuebingen Variant Classification Criteria Version 2. Collection method: clinical testing. Allele origin: germline. Affected: yes. Observed: 1 variant allele.
Comment: SCN10A: BP4, BP7

Ambry Genetics
Classification: Likely benign for Cardiovascular phenotype. Last evaluated: 2020-07-28. Review status: criteria provided, single submitter. Criteria: Ambry Variant Classification Scheme 2023. Collection method: clinical testing. Allele origin: germline.

NM_006514.4(SCN10A):c.4425A>G (p.Arg1475=)

Gene: SCN10A (sodium voltage-gated channel alpha subunit 10; minus strand). Cytogenetic location: 3p22.2.
Variant type: single nucleotide variant.
Coding change: c.4425A>G on transcript NM_006514.4 (MANE Select); coding-DNA position 4425, A replaced by G.
Protein change: p.Arg1475=; no amino-acid change (arginine 1475 retained).
Molecular consequence: synonymous variant.
Genome position (GRCh38, 1-based): chr3:38,702,071, T>C on the plus strand (A>G on the coding strand, the complement: SCN10A is on the minus strand). VCF-style: chr3-38702071-T-C. GRCh37 (hg19) VCF-style: chr3-38743562-T-C.
Other names: c.4422A>G, p.Arg1474= (NM_001293306.2); c.4131A>G, p.Arg1377= (NM_001293307.2).
Identifiers: ClinVar variation 1740507 (VCV001740507.16), dbSNP rs1449122935, ClinGen allele CA433135978.